The following is an entry in ClinVar:

NM_001039591.3(USP9X):c.6079C>T (p.Pro2027Ser)

Gene: USP9X (ubiquitin specific peptidase 9 X-linked; plus strand). Cytogenetic location: Xp11.4.
Variant type: single nucleotide variant.
Coding change: c.6079C>T on transcript NM_001039591.3 (MANE Select); coding-DNA position 6079, C replaced by T.
Protein change: p.Pro2027Ser; replaces proline 2027 with serine.
Molecular consequence: missense variant.
Genome position (GRCh38, 1-based): chrX:41,216,646, C>T. VCF-style: chrX-41216646-C-T. GRCh37 (hg19) VCF-style: chrX-41075899-C-T.
Other names: c.6079C>T, p.Pro2027Ser (NM_001039590.3); c.6094C>T, p.Pro2032Ser (NM_001410748.1, NM_001410749.1); short protein forms P2032S, P2027S.
Identifiers: ClinVar variation 2860939 (VCV002860939.3), dbSNP rs749281917, ClinGen allele CA10389043.
Genomic context (GRCh38, chrX:41,216,646, plus strand): 5'-ATGGAGTATTTTCAGTTTATGAAAAAACTGCTTACATGTAATGGCGTTTACTTAAACCCT[C>T]CTCCCGGTGAGTATCAAGAGAGTTTAGCTTCTTAGTAATAAAGAATAATTTATAGTAGGC-3'
Protein context (NP_001034680.2, residues 2017-2037): LTCNGVYLNP[Pro2027Ser]PGQDHLLPEA

ClinVar aggregate classification (germline): Uncertain significance (1 of 4 stars; one submission).

Allele frequency attached by ClinVar (database versions not stated): TOPMed 0.00001; ExAC 0.00004; gnomAD exomes below 0.00001.
gnomAD v4.1: 4 of 1,201,403 alleles (0.00033%); highest among the groups gnomAD compares: East Asian, 0.0059%; no homozygotes.

Submission:

Labcorp Genetics (formerly Invitae), Labcorp
Classification: Uncertain significance. Last evaluated: 2025-04-22. Review status: criteria provided, single submitter. Criteria: Invitae Variant Classification Sherloc (09022015). Collection method: clinical testing. Allele origin: germline.
Comment: This sequence change replaces proline, which is neutral and non-polar, with serine, which is neutral and polar, at codon 2027 of the USP9X protein (p.Pro2027Ser). This variant is present in population databases (rs749281917, gnomAD 0.02%), including at least one homozygous and/or hemizygous individual. This variant has not been reported in the literature in individuals affected with USP9X-related conditions. ClinVar contains an entry for this variant (Variation ID: 2860939). An algorithm developed to predict the effect of missense changes on protein structure and function (PolyPhen-2) suggests that this variant is likely to be tolerated. In summary, the available evidence is currently insufficient to determine the role of this variant in disease. Therefore, it has been classified as a Variant of Uncertain Significance.